The following is an entry in ClinVar:

NM_001061.7(TBXAS1):c.973C>A (p.Pro325Thr)

Gene: TBXAS1 (thromboxane A synthase 1; plus strand). Cytogenetic location: 7q34.
Variant type: single nucleotide variant.
Coding change: c.973C>A on transcript NM_001061.7 (MANE Select); coding-DNA position 973, C replaced by A.
Protein change: p.Pro325Thr; replaces proline 325 with threonine.
Molecular consequence: missense variant.
Genome position (GRCh38, 1-based): chr7:139,962,072, C>A. VCF-style: chr7-139962072-C-A. GRCh37 (hg19) VCF-style: chr7-139661871-C-A.
Other names: c.973C>A, p.Pro325Thr (NM_001130966.5, NM_030984.6); c.1111C>A, p.Pro371Thr (NM_001166253.4); c.772C>A, p.Pro258Thr (NM_001166254.4); c.916C>A, p.Pro306Thr (NM_001314028.4); c.790C>A, p.Pro264Thr (NM_001366537.3); short protein forms P258T, P371T, P326T, P264T, P306T, P325T, P372T.
Identifiers: ClinVar variation 1936509 (VCV001936509.5), dbSNP rs1810406307, ClinGen allele CA369584911.

ClinVar aggregate classification (germline): Uncertain significance (1 of 4 stars; one submission).

Allele frequency attached by ClinVar (database versions not stated): gnomAD exomes below 0.00001; gnomAD 0.00001; TOPMed 0.00001.
gnomAD v4.1: 3 of 1,614,104 alleles (0.00019%); highest among the groups gnomAD compares: Non-Finnish European, 0.00025%; no homozygotes.

Submission:

Labcorp Genetics (formerly Invitae), Labcorp
Classification: Uncertain significance. Last evaluated: 2022-05-17. Review status: criteria provided, single submitter. Criteria: Invitae Variant Classification Sherloc (09022015). Collection method: clinical testing. Allele origin: germline.
Comment: In summary, the available evidence is currently insufficient to determine the role of this variant in disease. Therefore, it has been classified as a Variant of Uncertain Significance. Algorithms developed to predict the effect of missense changes on protein structure and function (SIFT, PolyPhen-2, Align-GVGD) all suggest that this variant is likely to be tolerated. This variant has not been reported in the literature in individuals affected with TBXAS1-related conditions. This variant is not present in population databases (gnomAD no frequency). This sequence change replaces proline, which is neutral and non-polar, with threonine, which is neutral and polar, at codon 326 of the TBXAS1 protein (p.Pro326Thr).